The following is an entry in ClinVar:

ClinVar aggregate classification (germline): Conflicting classifications of pathogenicity. Review status: criteria provided, conflicting classifications (1 of 4 stars). 4 submissions from 4 submitters: Uncertain significance (3); Likely benign (1). Last evaluated 2026-07-06.

Conditions:
MAGEL2-related disorder. Also called: MAGEL2-related condition.
Inborn genetic diseases. Identifiers: MedGen C0950123, MeSH D030342.

Allele frequency attached by ClinVar (database versions not stated): TOPMed 0.00003; ExAC 0.00004; ESP Exome Variant Server 0.00016.

Submissions (4):

PreventionGenetics, part of Exact Sciences
Classification: Uncertain significance for MAGEL2-related condition. Last evaluated: 2026-07-06. Review status: criteria provided, single submitter. Criteria: ACMG Guidelines, 2015. Collection method: clinical testing. Allele origin: germline.
Comment: The MAGEL2 c.2705C>T variant is predicted to result in the amino acid substitution p.Thr902Met. To our knowledge, this variant has not been reported in the literature. This variant is reported in 0.020% of alleles in individuals of East Asian descent in gnomAD. At this time, the clinical significance of this variant is uncertain due to the absence of conclusive functional and genetic evidence.

Labcorp Genetics (formerly Invitae), Labcorp
Classification: Uncertain significance. Last evaluated: 2025-02-11. Review status: criteria provided, single submitter. Criteria: Invitae Variant Classification Sherloc (09022015). Collection method: clinical testing. Allele origin: germline.
Comment: This sequence change replaces threonine, which is neutral and polar, with methionine, which is neutral and non-polar, at codon 902 of the MAGEL2 protein (p.Thr902Met). This variant is present in population databases (rs373945272, gnomAD 0.02%). This variant has not been reported in the literature in individuals affected with MAGEL2-related conditions. ClinVar contains an entry for this variant (Variation ID: 3036047). Invitae Evidence Modeling of protein sequence and biophysical properties (such as structural, functional, and spatial information, amino acid conservation, physicochemical variation, residue mobility, and thermodynamic stability) indicates that this missense variant is not expected to disrupt MAGEL2 protein function with a negative predictive value of 80%. In summary, the available evidence is currently insufficient to determine the role of this variant in disease. Therefore, it has been classified as a Variant of Uncertain Significance.

CeGaT Center for Human Genetics Tuebingen
Classification: Uncertain significance. Last evaluated: 2024-05-01. Review status: criteria provided, single submitter. Criteria: CeGaT Center For Human Genetics Tuebingen Variant Classification Criteria Version 2. Collection method: clinical testing. Allele origin: germline. Affected: yes. Observed: 1 variant allele.
Comment: MAGEL2: PM2:Supporting, BP4

Ambry Genetics
Classification: Likely benign for Inborn genetic diseases. Last evaluated: 2023-12-16. Review status: criteria provided, single submitter. Criteria: Ambry Variant Classification Scheme 2023. Collection method: clinical testing. Allele origin: germline.

NM_019066.5(MAGEL2):c.2705C>T (p.Thr902Met)

Gene: MAGEL2 (MAGE family member L2; minus strand). Cytogenetic location: 15q11.2.
Variant type: single nucleotide variant.
Coding change: c.2705C>T on transcript NM_019066.5 (MANE Select); coding-DNA position 2705, C replaced by T.
Protein change: p.Thr902Met; replaces threonine 902 with methionine.
Molecular consequence: missense variant.
Genome position (GRCh38, 1-based): chr15:23,645,038, G>A on the plus strand (C>T on the coding strand, the complement: MAGEL2 is on the minus strand). VCF-style: chr15-23645038-G-A. GRCh37 (hg19) VCF-style: chr15-23890185-G-A.
Other names: short protein forms T902M.
Identifiers: ClinVar variation 3036047 (VCV003036047.23), dbSNP rs373945272, ClinGen allele CA7429836.